The following is an entry in ClinVar:

NM_001312909.2(FAM111A):c.1415T>C (p.Ile472Thr)

Gene: FAM111A (FAM111 trypsin like peptidase A; plus strand). Cytogenetic location: 11q12.1.
Variant type: single nucleotide variant.
Coding change: c.1415T>C on transcript NM_001312909.2 (MANE Select); coding-DNA position 1415, T replaced by C.
Protein change: p.Ile472Thr; replaces isoleucine 472 with threonine.
Molecular consequence: missense variant.
Genome position (GRCh38, 1-based): chr11:59,153,083, T>C. VCF-style: chr11-59153083-T-C. GRCh37 (hg19) VCF-style: chr11-58920556-T-C.
Other names: c.1415T>C, p.Ile472Thr (NM_001142519.3, NM_001142520.3, NM_001142521.3 and 29 more transcripts); short protein forms I472T.
Identifiers: ClinVar variation 3253069 (VCV003253069.2), dbSNP rs978791629.

ClinVar aggregate classification (germline): Uncertain significance. Review status: criteria provided, multiple submitters, no conflicts (2 of 4 stars). 2 submissions from 2 submitters: Uncertain significance (2). Last evaluated 2024-10-28.

Conditions:
Inborn genetic diseases. Identifiers: MedGen C0950123, MeSH D030342.

Allele frequency attached by ClinVar (database versions not stated): gnomAD exomes below 0.00001; TOPMed 0.00001; gnomAD 0.00002.
gnomAD v4.1: 5 of 1,614,084 alleles (0.00031%); highest among the groups gnomAD compares: African/African-American, 0.0053%; no homozygotes.

Submissions (2):

Ambry Genetics
Classification: Uncertain significance for Inborn genetic diseases. Last evaluated: 2024-10-28. Review status: criteria provided, single submitter. Criteria: Ambry Variant Classification Scheme 2023. Collection method: clinical testing. Allele origin: germline.

GeneDx
Classification: Uncertain significance. Last evaluated: 2023-10-05. Review status: criteria provided, single submitter. Criteria: GeneDx Variant Classification Process June 2021. Collection method: clinical testing. Allele origin: germline. Affected: yes.
Comment: In silico analysis supports that this missense variant has a deleterious effect on protein structure/function; Has not been previously published as pathogenic or benign to our knowledge